The following is an entry in ClinVar:

NM_015295.3(SMCHD1):c.311A>C (p.Asn104Thr)

Gene: SMCHD1 (structural maintenance of chromosomes flexible hinge domain containing 1; plus strand). Cytogenetic location: 18p11.32.
Variant type: single nucleotide variant.
Coding change: c.311A>C on transcript NM_015295.3 (MANE Select); coding-DNA position 311, A replaced by C.
Protein change: p.Asn104Thr; replaces asparagine 104 with threonine.
Molecular consequence: missense variant.
Genome position (GRCh38, 1-based): chr18:2,666,918, A>C. VCF-style: chr18-2666918-A-C. GRCh37 (hg19) VCF-style: chr18-2666917-A-C.
Other names: short protein forms N104T.
Identifiers: ClinVar variation 4746619 (VCV004746619.1).

ClinVar aggregate classification (germline): Uncertain significance (1 of 4 stars; one submission).

Conditions:
Facioscapulohumeral muscular dystrophy 2 (FSHD2). Also called: MUSCULAR DYSTROPHY, FACIOSCAPULOHUMERAL, TYPE 1B; FACIOSCAPULOHUMERAL MUSCULAR DYSTROPHY 2, DIGENIC; FSHD2, DIGENIC. Identifiers: Orphanet 269, MedGen C1834671, MONDO:0008031, OMIM 158901.

gnomAD v4.1: 8 of 1,613,332 alleles (0.0005%); highest among the groups gnomAD compares: Non-Finnish European, 0.00068%; no homozygotes.

Submission:

Labcorp Genetics (formerly Invitae), Labcorp
Classification: Uncertain significance for Facioscapulohumeral muscular dystrophy 2. Last evaluated: 2025-03-10. Review status: criteria provided, single submitter. Criteria: Invitae Variant Classification Sherloc (09022015). Collection method: clinical testing. Allele origin: germline.
Comment: This sequence change replaces asparagine, which is neutral and polar, with threonine, which is neutral and polar, at codon 104 of the SMCHD1 protein (p.Asn104Thr). This variant is not present in population databases (gnomAD no frequency). This variant has not been reported in the literature in individuals affected with SMCHD1-related conditions. Invitae Evidence Modeling of protein sequence and biophysical properties (such as structural, functional, and spatial information, amino acid conservation, physicochemical variation, residue mobility, and thermodynamic stability) indicates that this missense variant is not expected to disrupt SMCHD1 protein function with a negative predictive value of 80%. In summary, the available evidence is currently insufficient to determine the role of this variant in disease. Therefore, it has been classified as a Variant of Uncertain Significance.